The following is an entry in ClinVar:

ClinVar aggregate classification (germline): Likely pathogenic (1 of 4 stars; one submission).

Conditions:
Combined oxidative phosphorylation deficiency 36 (COXPD36). Identifiers: MedGen C4693722, MONDO:0054781, OMIM 617950.

Allele frequency attached by ClinVar (database versions not stated): TOPMed below 0.00001; gnomAD 0.00001.

Submission:

Kasturba Medical College, Manipal, Kasturba Medical College, Manipal, Manipal Academy of Higher Education, Manipal, India
Classification: Likely pathogenic for Combined oxidative phosphorylation deficiency 36. Review status: criteria provided, single submitter. Criteria: ACMG Guidelines, 2015. Collection method: clinical testing. Allele origin: biparental. Inheritance: Autosomal recessive inheritance. Affected: yes. Observed: 1 homozygote.
Comment: This variant is reported in 26 individuals in the gnomAD database (v4.1.0) in heterozygous state. This variant is not present in our in-house database of 3643 exomes. In-silico prediction tools (MutationTaster, ClinPred) are consistent in predicting the variant to be damaging to the MRPS2 protein function. The molecular effect of the variant was further studied on the patient-derived fibroblasts, which showed reduced mRNA and protein expression of MRPS2. This reduced expression level impacted mitochondrial protein translation with decreased mitochondrial OXPHOS proteins NDUFS1 (Complex I component), MT-CO2, and COX4 (Complex IV components), suggesting combined mitochondrial OXPHOS defect. Furthermore, the MRPS2 variant led to impaired mitochondrial respiration and disrupted mitochondrial structure.

Literature cited by the submitters: PubMed 29576219; PubMed 34991560; PubMed 38029925; PubMed 40360742.

NM_016034.5(MRPS2):c.490G>A (p.Glu164Lys)

Genes: MRPS2 (mitochondrial ribosomal protein S2; plus strand), LOC101928525 (uncharacterized LOC101928525; minus strand). Cytogenetic location: 9q34.3.
Variant type: single nucleotide variant.
Coding change: c.490G>A on transcript NM_016034.5 (MANE Select); coding-DNA position 490, G replaced by A.
Protein change: p.Glu164Lys; replaces glutamic acid 164 with lysine.
Molecular consequence: missense variant. On other transcripts: non-coding transcript variant (4).
Genome position (GRCh38, 1-based): chr9:135,503,732, G>A. VCF-style: chr9-135503732-G-A. GRCh37 (hg19) VCF-style: chr9-138395578-G-A.
Other names: c.490G>A, p.Glu164Lys (NM_001371401.1); short protein forms E164K.
Identifiers: ClinVar variation 2504597 (VCV002504597.4), dbSNP rs754750531, ClinGen allele CA5323957.